The following is an entry in ClinVar:

ClinVar aggregate classification (germline): Uncertain significance (1 of 4 stars; one submission).

Conditions:
Myopathy, proximal, and ophthalmoplegia (CMYO6). Also called: MYOPATHY WITH CONGENITAL JOINT CONTRACTURES, OPHTHALMOPLEGIA, AND RIMMED VACUOLES; INCLUSION BODY MYOPATHY 3, AUTOSOMAL DOMINANT; CONGENITAL MYOPATHY 6 WITH OPHTHALMOPLEGIA. Identifiers: Orphanet 363677, Orphanet 79091, MedGen C1854106, MONDO:0011577, OMIM 605637.

Allele frequency attached by ClinVar (database versions not stated): gnomAD 0.00003 and 0.00004; TOPMed 0.00003; ExAC 0.00007; gnomAD exomes 0.00007.
gnomAD v4.1: 22 of 1,614,018 alleles (0.0014%); highest among the groups gnomAD compares: East Asian, 0.033%; no homozygotes.

Submission:

Labcorp Genetics (formerly Invitae), Labcorp
Classification: Uncertain significance for Myopathy, proximal, and ophthalmoplegia. Last evaluated: 2025-10-17. Review status: criteria provided, single submitter. Criteria: Invitae Variant Classification Sherloc (09022015). Collection method: clinical testing. Allele origin: germline.
Comment: This sequence change replaces arginine, which is basic and polar, with lysine, which is basic and polar, at codon 1365 of the MYH2 protein (p.Arg1365Lys). This variant is present in population databases (rs745629813, gnomAD 0.09%). This variant has not been reported in the literature in individuals affected with MYH2-related conditions. ClinVar contains an entry for this variant (Variation ID: 650330). An algorithm developed to predict the effect of missense changes on protein structure and function (PolyPhen-2) suggests that this variant is likely to be disruptive. In summary, the available evidence is currently insufficient to determine the role of this variant in disease. Therefore, it has been classified as a Variant of Uncertain Significance.

NM_017534.6(MYH2):c.4094G>A (p.Arg1365Lys)

Genes: MYHAS (myosin heavy chain gene cluster antisense RNA; plus strand), MYH2 (myosin heavy chain 2; minus strand). Cytogenetic location: 17p13.1.
Variant type: single nucleotide variant.
Coding change: c.4094G>A on transcript NM_017534.6 (MANE Select); coding-DNA position 4094, G replaced by A.
Protein change: p.Arg1365Lys; replaces arginine 1365 with lysine.
Molecular consequence: missense variant.
Genome position (GRCh38, 1-based): chr17:10,526,692, C>T on the plus strand (G>A on the coding strand, the complement: MYH2 is on the minus strand). VCF-style: chr17-10526692-C-T. GRCh37 (hg19) VCF-style: chr17-10430009-C-T.
Other names: c.4094G>A, p.Arg1365Lys (NM_001100112.2); short protein forms R1365K.
Identifiers: ClinVar variation 650330 (VCV000650330.8), dbSNP rs745629813, ClinGen allele CA8390732.